The following is an entry in ClinVar:

ClinVar aggregate classification (germline): Uncertain significance (1 of 4 stars; one submission).

Conditions:
Dyskeratosis congenita, autosomal dominant 2. Identifiers: MedGen C3151443, MONDO:0013521, OMIM 613989.
Idiopathic Pulmonary Fibrosis. Also called: Idiopathic fibrosing alveolitis, chronic form; idiopathic fibrosing alveolitis. Identifiers: Orphanet 2032, MedGen C1800706, MeSH D054990, MONDO:0800504.

Submission:

Labcorp Genetics (formerly Invitae), Labcorp
Classification: Uncertain significance for Dyskeratosis congenita, autosomal dominant 2; Idiopathic Pulmonary Fibrosis. Last evaluated: 2017-10-10. Review status: criteria provided, single submitter. Criteria: Invitae Variant Classification Sherloc (09022015). Collection method: clinical testing. Allele origin: germline.
Comment: In summary, the available evidence is currently insufficient to determine the role of this variant in disease. Therefore, it has been classified as a Variant of Uncertain Significance. Algorithms developed to predict the effect of missense changes on protein structure and function do not agree on the potential impact of this missense change (SIFT: "Tolerated"; PolyPhen-2: "Probably Damaging"; Align-GVGD: "Class C0"). This variant has not been reported in the literature in individuals with TERT-related disease. While this variant is not present in population databases, the frequency information is unreliable, as metrics indicate poor data quality at this position in the ExAC database. This sequence change replaces tryptophan with cysteine at codon 60 of the TERT protein (p.Trp60Cys). The tryptophan residue is weakly conserved and there is a large physicochemical difference between tryptophan and cysteine.

NM_198253.3(TERT):c.180G>C (p.Trp60Cys)

Genes: TERT (telomerase reverse transcriptase; minus strand), LOC110806263 (TERT 5' regulatory region; plus strand). Cytogenetic location: 5p15.33.
Variant type: single nucleotide variant.
Coding change: c.180G>C on transcript NM_198253.3 (MANE Select); coding-DNA position 180, G replaced by C.
Protein change: p.Trp60Cys; replaces tryptophan 60 with cysteine.
Molecular consequence: missense variant. On other transcripts: non-coding transcript variant (2).
Genome position (GRCh38, 1-based): chr5:1,294,810, C>G on the plus strand (G>C on the coding strand, the complement: TERT is on the minus strand). VCF-style: chr5-1294810-C-G. GRCh37 (hg19) VCF-style: chr5-1294925-C-G.
Other names: c.180G>C, p.Trp60Cys (NM_001193376.3); short protein forms W60C.
Identifiers: ClinVar variation 539194 (VCV000539194.9), dbSNP rs1554043139, ClinGen allele CA359058904.